The following is an entry in ClinVar:

ClinVar aggregate classification (germline): Likely benign. Review status: criteria provided, multiple submitters, no conflicts (2 of 4 stars). 2 submissions from 2 submitters: Likely benign (2). Last evaluated 2024-11-13.

Conditions:
SNRNP200-related disorder. Also called: SNRNP200-related condition.

Allele frequency attached by ClinVar (database versions not stated): ExAC 0.00003; gnomAD exomes 0.00004; TOPMed 0.00005; gnomAD 0.00006 and 0.00007; ESP Exome Variant Server 0.00008.
gnomAD v4.1: 73 of 1,613,926 alleles (0.0045%); highest among the groups gnomAD compares: South Asian, 0.024%; 1 homozygote.

Submissions (2):

PreventionGenetics, part of Exact Sciences
Classification: Likely benign for SNRNP200-related condition. Last evaluated: 2024-11-13. Review status: criteria provided, single submitter. Criteria: ACMG Guidelines, 2015. Collection method: clinical testing. Allele origin: germline.
Comment: This variant is classified as likely benign based on ACMG/AMP sequence variant interpretation guidelines (Richards et al. 2015 PMID: 25741868, with internal and published modifications).

Labcorp Genetics (formerly Invitae), Labcorp
Classification: Likely benign. Last evaluated: 2024-09-04. Review status: criteria provided, single submitter. Criteria: Invitae Variant Classification Sherloc (09022015). Collection method: clinical testing. Allele origin: germline.

NM_014014.5(SNRNP200):c.4764-7C>T

Gene: SNRNP200 (small nuclear ribonucleoprotein U5 subunit 200; minus strand). Cytogenetic location: 2q11.2.
Variant type: single nucleotide variant.
Coding change: c.4764-7C>T on transcript NM_014014.5 (MANE Select); 7 bases into the intron before coding-DNA position 4764, C replaced by T.
Molecular consequence: intron variant.
Genome position (GRCh38, 1-based): chr2:96,283,359, G>A on the plus strand (C>T on the coding strand, the complement: SNRNP200 is on the minus strand). VCF-style: chr2-96283359-G-A. GRCh37 (hg19) VCF-style: chr2-96949097-G-A.
Identifiers: ClinVar variation 731750 (VCV000731750.10), dbSNP rs373115088, ClinGen allele CA1778134.